The following is an entry in ClinVar:

NM_000038.6(APC):c.1743+78A>G

Gene: APC (APC regulator of WNT signaling pathway; plus strand). Cytogenetic location: 5q22.2.
Variant type: single nucleotide variant.
Coding change: c.1743+78A>G on transcript NM_000038.6 (MANE Select); 78 bases into the intron after coding-DNA position 1743, A replaced by G.
Molecular consequence: intron variant.
Genome position (GRCh38, 1-based): chr5:112,829,050, A>G. VCF-style: chr5-112829050-A-G. GRCh37 (hg19) VCF-style: chr5-112164747-A-G.
Other names: c.1743+78A>G (NM_001354895.2, NM_001127510.3); c.1773+78A>G (NM_001354897.2); c.1470+78A>G (NM_001354902.2); c.1689+78A>G (NM_001127511.3); c.1668+78A>G (NM_001354898.2); c.1365+78A>G (NM_001354904.2); c.894+78A>G (NM_001354906.2); c.1797+78A>G (NM_001354896.2); and 5 more.
Identifiers: ClinVar variation 676530 (VCV000676530.2), dbSNP rs62364023, ClinGen allele CA15373524.

ClinVar aggregate classification (germline): Likely benign. Review status: criteria provided, multiple submitters, no conflicts (2 of 4 stars). 2 submissions from 2 submitters: Likely benign (2). Last evaluated 2018-06-15.

Allele frequency attached by ClinVar (database versions not stated): 1000 Genomes Project 0.00958; TOPMed 0.01813; gnomAD 0.02197 and 0.02266; gnomAD exomes 0.02753.
gnomAD v4.1: 25,644 of 964,480 alleles (2.7%); highest among the groups gnomAD compares: Non-Finnish European, 3.2%; 443 homozygotes.

Submissions (2):

GeneDx
Classification: Likely benign. Last evaluated: 2018-06-15. Review status: criteria provided, single submitter. Criteria: GeneDx Variant Classification (06012015). Collection method: clinical testing. Allele origin: germline. Affected: yes.
Comment: This variant is considered likely benign or benign based on one or more of the following criteria: it is a conservative change, it occurs at a poorly conserved position in the protein, it is predicted to be benign by multiple in silico algorithms, and/or has population frequency not consistent with disease.

Breakthrough Genomics
Classification: Likely benign. Review status: criteria provided, single submitter. Criteria: ACMG Guidelines, 2015. Collection method: not provided. Allele origin: germline. Inheritance: Autosomal dominant inheritance. Affected: yes.